The following is an entry in ClinVar:

NM_021009.7(UBC):c.432C>T (p.His144=)

Gene: UBC (ubiquitin C; minus strand). Cytogenetic location: 12q24.31.
Variant type: single nucleotide variant.
Coding change: c.432C>T on transcript NM_021009.7 (MANE Select); coding-DNA position 432, C replaced by T.
Protein change: p.His144=; no amino-acid change (histidine 144 retained).
Molecular consequence: synonymous variant.
Genome position (GRCh38, 1-based): chr12:124,913,340, G>A on the plus strand (C>T on the coding strand, the complement: UBC is on the minus strand). VCF-style: chr12-124913340-G-A. GRCh37 (hg19) VCF-style: chr12-125397886-G-A.
Identifiers: ClinVar variation 2643574 (VCV002643574.24), dbSNP rs780816766, ClinGen allele CA6871033.
Genomic context (GRCh38, chr12:124,913,340, plus strand): 5'-GGTCTTACCAGTCAGGGTCTTCACGAAGATCTGCATCCCACCTCTGAGACGGAGCACCAG[G>A]TGCAGGGTAGACTCTTTCTGGATGTTGTAGTCAGACAGGGTGCGCCCATCTTCCAGCTGC-3'
Protein context (NP_066289.3, residues 134-154): DYNIQKESTL[His144=]LVLRLRGGMQ

ClinVar aggregate classification (germline): Likely benign (1 of 4 stars; one submission).

Allele frequency attached by ClinVar (database versions not stated): gnomAD 0.00001; gnomAD exomes 0.00001; ExAC 0.00003.

Submission:

CeGaT Center for Human Genetics Tuebingen
Classification: Likely benign. Last evaluated: 2023-05-01. Review status: criteria provided, single submitter. Criteria: CeGaT Center For Human Genetics Tuebingen Variant Classification Criteria Version 2. Collection method: clinical testing. Allele origin: germline. Affected: yes. Observed: 1 variant allele.
Comment: UBC: BP4, BP7